The following is an entry in ClinVar:

NM_014484.5(MOCS3):c.724G>A (p.Gly242Ser)

Gene: MOCS3 (molybdenum cofactor synthesis 3; plus strand). Cytogenetic location: 20q13.13.
Variant type: single nucleotide variant.
Coding change: c.724G>A on transcript NM_014484.5 (MANE Select); coding-DNA position 724, G replaced by A.
Protein change: p.Gly242Ser; replaces glycine 242 with serine.
Molecular consequence: missense variant.
Genome position (GRCh38, 1-based): chr20:50,959,566, G>A. VCF-style: chr20-50959566-G-A. GRCh37 (hg19) VCF-style: chr20-49576103-G-A.
Other names: short protein forms G242S.
Identifiers: ClinVar variation 1464484 (VCV001464484.6), dbSNP rs2052328686, ClinGen allele CA408984182.

ClinVar aggregate classification (germline): Uncertain significance (1 of 4 stars; one submission).

Allele frequency attached by ClinVar (database versions not stated): gnomAD exomes below 0.00001; TOPMed below 0.00001.

Submission:

Labcorp Genetics (formerly Invitae), Labcorp
Classification: Uncertain significance. Last evaluated: 2024-01-09. Review status: criteria provided, single submitter. Criteria: Invitae Variant Classification Sherloc (09022015). Collection method: clinical testing. Allele origin: germline.
Comment: This sequence change replaces glycine, which is neutral and non-polar, with serine, which is neutral and polar, at codon 242 of the MOCS3 protein (p.Gly242Ser). This variant is not present in population databases (gnomAD no frequency). This variant has not been reported in the literature in individuals affected with MOCS3-related conditions. ClinVar contains an entry for this variant (Variation ID: 1464484). An algorithm developed to predict the effect of missense changes on protein structure and function (PolyPhen-2) suggests that this variant is likely to be disruptive. In summary, the available evidence is currently insufficient to determine the role of this variant in disease. Therefore, it has been classified as a Variant of Uncertain Significance.